The following is an entry in ClinVar:

NM_003839.4(TNFRSF11A):c.412G>C (p.Gly138Arg)

Gene: TNFRSF11A (TNF receptor superfamily member 11a; plus strand). Cytogenetic location: 18q21.33.
Variant type: single nucleotide variant.
Coding change: c.412G>C on transcript NM_003839.4 (MANE Select); coding-DNA position 412, G replaced by C.
Protein change: p.Gly138Arg; replaces glycine 138 with arginine.
Molecular consequence: missense variant.
Genome position (GRCh38, 1-based): chr18:62,354,519, G>C. VCF-style: chr18-62354519-G-C. GRCh37 (hg19) VCF-style: chr18-60021752-G-C.
Other names: c.412G>C, p.Gly138Arg (NM_001270949.2, NM_001270950.2, NM_001270951.2 and 1 more transcripts); short protein forms G138R.
Identifiers: ClinVar variation 2011884 (VCV002011884.4), dbSNP rs2511558835, ClinGen allele CA402612479.

ClinVar aggregate classification (germline): Uncertain significance (1 of 4 stars; one submission).

Submission:

Labcorp Genetics (formerly Invitae), Labcorp
Classification: Uncertain significance. Last evaluated: 2022-06-30. Review status: criteria provided, single submitter. Criteria: Invitae Variant Classification Sherloc (09022015). Collection method: clinical testing. Allele origin: germline.
Comment: This variant has not been reported in the literature in individuals affected with TNFRSF11A-related conditions. In summary, the available evidence is currently insufficient to determine the role of this variant in disease. Therefore, it has been classified as a Variant of Uncertain Significance. Algorithms developed to predict the effect of missense changes on protein structure and function are either unavailable or do not agree on the potential impact of this missense change (SIFT: "Tolerated"; PolyPhen-2: "Probably Damaging"; Align-GVGD: "Class C0"). This variant is not present in population databases (gnomAD no frequency). This sequence change replaces glycine, which is neutral and non-polar, with arginine, which is basic and polar, at codon 138 of the TNFRSF11A protein (p.Gly138Arg).